The following is an entry in ClinVar:

NM_173598.6(KSR2):c.962G>T (p.Arg321Leu)

Gene: KSR2 (kinase suppressor of ras 2; minus strand). Cytogenetic location: 12q24.23.
Variant type: single nucleotide variant.
Coding change: c.962G>T on transcript NM_173598.6 (MANE Select); coding-DNA position 962, G replaced by T.
Protein change: p.Arg321Leu; replaces arginine 321 with leucine.
Molecular consequence: missense variant.
Genome position (GRCh38, 1-based): chr12:117,761,035, C>A on the plus strand (G>T on the coding strand, the complement: KSR2 is on the minus strand). VCF-style: chr12-117761035-C-A. GRCh37 (hg19) VCF-style: chr12-118198840-C-A.
Other names: short protein forms R321L.
Identifiers: ClinVar variation 4983217 (VCV004983217.1).

ClinVar aggregate classification (germline): Uncertain significance (1 of 4 stars; one submission).

Conditions:
KSR2-related disorder. Also called: KSR2-related condition.

gnomAD v4.1: 1 of 1,613,712 alleles (0.000062%); highest among the groups gnomAD compares: South Asian, 0.0011%; no homozygotes.

Submission:

PreventionGenetics, part of Exact Sciences
Classification: Uncertain significance for KSR2-related condition. Last evaluated: 2025-09-18. Review status: criteria provided, single submitter. Criteria: ACMG Guidelines, 2015. Collection method: clinical testing. Allele origin: germline.
Comment: The KSR2 c.875G>T variant is predicted to result in the amino acid substitution p.Arg292Leu. To our knowledge, this variant has not been reported in the literature or in a large population database (gnomAD), indicating this variant is rare. At this time, the clinical significance of this variant is uncertain due to the absence of conclusive functional and genetic evidence.